The following is an entry in ClinVar:

ClinVar aggregate classification (germline): Uncertain significance (1 of 4 stars; one submission).

Conditions:
Tuberous sclerosis 1 (TSC1). Identifiers: Orphanet 805, MedGen C1854465, MONDO:0008612, OMIM 191100.

Submission:

Labcorp Genetics (formerly Invitae), Labcorp
Classification: Uncertain significance for Tuberous sclerosis 1. Last evaluated: 2022-09-22. Review status: criteria provided, single submitter. Criteria: Invitae Variant Classification Sherloc (09022015). Collection method: clinical testing. Allele origin: germline.
Comment: This variant results in a copy number gain of the genomic region encompassing exon(s) 1-20 of the TSC1 gene. This region includes the initiator codon of the gene. This copy number gain extends beyond the assayed region for this gene and therefore may encompass additional genes. As the precise location of this event is unknown, it may be in tandem or it may be located elsewhere in the genome. This variant has not been reported in the literature in individuals affected with TSC1-related conditions. In summary, the available evidence is currently insufficient to determine the role of this variant in disease. Therefore, it has been classified as a Variant of Uncertain Significance.

NC_000009.11:g.(?_135775735)_(135866437_?)dup

Genes: GFI1B (growth factor independent 1B transcriptional repressor; plus strand), TSC1 (TSC complex subunit 1; minus strand). Cytogenetic location: 9q34.13.
Variant type: Duplication.
Identifiers: ClinVar variation 2422969 (VCV002422969.3).